The following is an entry in ClinVar:

NM_001079.4(ZAP70):c.1025T>C (p.Ile342Thr)

Gene: ZAP70 (zeta chain of T cell receptor associated protein kinase 70; plus strand). Cytogenetic location: 2q11.2.
Variant type: single nucleotide variant.
Coding change: c.1025T>C on transcript NM_001079.4 (MANE Select); coding-DNA position 1025, T replaced by C.
Protein change: p.Ile342Thr; replaces isoleucine 342 with threonine.
Molecular consequence: missense variant.
Genome position (GRCh38, 1-based): chr2:97,734,655, T>C. VCF-style: chr2-97734655-T-C. GRCh37 (hg19) VCF-style: chr2-98351118-T-C.
Other names: c.1025T>C, p.Ile342Thr (NM_001378594.1); c.104T>C, p.Ile35Thr (NM_207519.2); short protein forms I342T, I35T.
Identifiers: ClinVar variation 337634 (VCV000337634.26), dbSNP rs142702703, ClinGen allele CA1790343.

ClinVar aggregate classification (germline): Conflicting classifications of pathogenicity. Review status: criteria provided, conflicting classifications (1 of 4 stars). 6 submissions from 6 submitters: Uncertain significance (4); Likely benign (2). Last evaluated 2026-01-13.

Conditions:
Combined immunodeficiency due to ZAP70 deficiency (IMD48). Also called: ZAP70 Deficiency; Immunodeficiency 48. Identifiers: Orphanet 911, MedGen C2931299, MONDO:0010023, OMIM 269840.

Allele frequency attached by ClinVar (database versions not stated): gnomAD exomes 0.00037; TOPMed 0.00060; ESP Exome Variant Server 0.00046; 1000 Genomes Project 30x 0.00047; 1000 Genomes Project 0.00040; gnomAD 0.00046 and 0.00058; ExAC 0.00031.
gnomAD v4.1: 813 of 1,614,194 alleles (0.05%); highest among the groups gnomAD compares: Non-Finnish European, 0.059%; no homozygotes.

Submissions (6):

Labcorp Genetics (formerly Invitae), Labcorp
Classification: Likely benign for Combined immunodeficiency due to ZAP70 deficiency. Last evaluated: 2026-01-13. Review status: criteria provided, single submitter. Criteria: Invitae Variant Classification Sherloc (09022015). Collection method: clinical testing. Allele origin: germline.

Mayo Clinic Laboratories, Mayo Clinic
Classification: Uncertain significance. Last evaluated: 2024-11-18. Review status: criteria provided, single submitter. Criteria: ACMG Guidelines, 2015. Collection method: clinical testing. Allele origin: germline. Observed: 2 variant alleles.

GeneDx
Classification: Uncertain significance. Last evaluated: 2023-12-03. Review status: criteria provided, single submitter. Criteria: GeneDx Variant Classification Process June 2021. Collection method: clinical testing. Allele origin: germline. Affected: yes.
Comment: In silico analysis supports that this missense variant does not alter protein structure/function; Has not been previously published as pathogenic or benign to our knowledge

Women's Health and Genetics/Laboratory Corporation of America, LabCorp
Classification: Likely benign. Last evaluated: 2023-03-22. Review status: criteria provided, single submitter. Criteria: LabCorp Variant Classification Summary - May 2015. Collection method: clinical testing. Allele origin: germline.
Comment: Variant summary: ZAP70 c.1025T>C (p.Ile342Thr) results in a non-conservative amino acid change located in the Protein kinase domain (IPR000719) of the encoded protein sequence. Three of five in-silico tools predict a benign effect of the variant on protein function. The variant allele was found at a frequency of 0.00037 in 251330 control chromosomes, predominantly at a frequency of 0.00066 within the Non-Finnish European subpopulation in the gnomAD database. The observed variant frequency within Non-Finnish European control individuals in the gnomAD database is approximately 2 fold of the estimated maximal expected allele frequency for a pathogenic variant in ZAP70 causing Severe Combined Immunodeficiency phenotype (0.00035), strongly suggesting that the variant is a benign polymorphism found primarily in populations of Non-Finnish European origin. To our knowledge, no occurrence of c.1025T>C in individuals affected with Severe Combined Immunodeficiency and no experimental evidence demonstrating its impact on protein function have been reported. Four clinical diagnostic laboratories have submitted clinical-significance assessments for this variant to ClinVar after 2014 and classified the variant as VUS (n=3) and likely benign (n=1). Based on the evidence outlined above, the variant was classified as likely benign.

Illumina Laboratory Services, Illumina
Classification: Uncertain significance for Combined immunodeficiency due to ZAP70 deficiency. Last evaluated: 2018-01-12. Review status: criteria provided, single submitter. Criteria: ICSL Variant Classification Criteria 13 December 2019. Collection method: clinical testing. Allele origin: germline.

Eurofins Ntd Llc (ga)
Classification: Uncertain significance. Last evaluated: 2016-12-08. Review status: criteria provided, single submitter. Criteria: EGL Classification Definitions 2015. Collection method: clinical testing. Allele origin: germline. Observed: 1 variant allele, 1 heterozygote.